The following is an entry in ClinVar:

ClinVar aggregate classification (germline): Pathogenic (1 of 4 stars; one submission).

Conditions:
Hypertrophic cardiomyopathy 26. Also called: Cardiomyopathy, familial hypertrophic, 26. Identifiers: Orphanet 75249, MedGen C4310749, MONDO:0014883, OMIM 617047.
Distal myopathy with posterior leg and anterior hand involvement. Also called: WILLIAMS DISTAL MYOPATHY. Identifiers: Orphanet 63273, MedGen C3279722, MONDO:0013550, OMIM 614065.
Myofibrillar myopathy 5. Also called: FILAMINOPATHY, AUTOSOMAL DOMINANT; Filaminopathy (type). Identifiers: Orphanet 171445, MedGen C1836050, MONDO:0012289, OMIM 609524.

Submission:

Labcorp Genetics (formerly Invitae), Labcorp
Classification: Pathogenic for Distal myopathy with posterior leg and anterior hand involvement; Myofibrillar myopathy 5; Hypertrophic cardiomyopathy 26. Last evaluated: 2022-10-26. Review status: criteria provided, single submitter. Criteria: Invitae Variant Classification Sherloc (09022015). Collection method: clinical testing. Allele origin: germline.
Comment: This sequence change creates a premature translational stop signal (p.Gln972*) in the FLNC gene. It is expected to result in an absent or disrupted protein product. Loss-of-function variants in FLNC are known to be pathogenic (PMID: 27908349). This variant is not present in population databases (gnomAD no frequency). This variant has not been reported in the literature in individuals affected with FLNC-related conditions. For these reasons, this variant has been classified as Pathogenic.

Literature cited by the submitters: PubMed 27908349.

NM_001458.5(FLNC):c.2914C>T (p.Gln972Ter)

Gene: FLNC (filamin C; plus strand). Cytogenetic location: 7q32.1.
Variant type: single nucleotide variant.
Coding change: c.2914C>T on transcript NM_001458.5 (MANE Select); coding-DNA position 2914, C replaced by T.
Protein change: p.Gln972Ter; replaces glutamine 972 with a stop codon.
Molecular consequence: nonsense.
Genome position (GRCh38, 1-based): chr7:128,843,898, C>T. VCF-style: chr7-128843898-C-T. GRCh37 (hg19) VCF-style: chr7-128483952-C-T.
Other names: c.2914C>T, p.Gln972Ter (NM_001127487.2); short protein forms Q972*.
Identifiers: ClinVar variation 2036851 (VCV002036851.4), dbSNP rs2536634922, ClinGen allele CA369193555.
Genomic context (GRCh38, chr7:128,843,898, plus strand): 5'-CCCAAGAGCCCCTTTGTGGTGAATGTGGCACCCCCGCTGGACCTCAGCAAAATCAAAGTT[C>T]AGGGCCTTAATAGCAGTAAGTGGGGCAAGAGCCACCCTGGGAGTGAGGGGTATTCGGGTA-3'